The following is an entry in ClinVar:

ClinVar aggregate classification (germline): Benign/Likely benign. Review status: criteria provided, multiple submitters, no conflicts (2 of 4 stars). 4 submissions from 4 submitters: Benign (2); Likely benign (1). 1 of the submissions does not count toward it. Last evaluated 2022-10-01.

Conditions:
ATP2A3-related disorder. Also called: ATP2A3-related condition.

Allele frequency attached by ClinVar (database versions not stated): 1000 Genomes Project 30x 0.00109; 1000 Genomes Project 0.00120; TOPMed 0.00246; gnomAD exomes 0.00263 and 0.00452; gnomAD 0.00265 and 0.00270; ExAC 0.00279; ESP Exome Variant Server 0.00369.
gnomAD v4.1: 6,948 of 1,613,856 alleles (0.43%); highest among the groups gnomAD compares: Non-Finnish European, 0.54%; 18 homozygotes.

Submissions (4):

CeGaT Center for Human Genetics Tuebingen
Classification: Likely benign. Last evaluated: 2022-10-01. Review status: criteria provided, single submitter. Criteria: CeGaT Center For Human Genetics Tuebingen Variant Classification Criteria Version 2. Collection method: clinical testing. Allele origin: germline. Affected: yes. Observed: 2 variant alleles.
Comment: ATP2A3: BP4, BP7

Labcorp Genetics (formerly Invitae), Labcorp
Classification: Benign. Last evaluated: 2018-05-18. Review status: criteria provided, single submitter. Criteria: Invitae Variant Classification Sherloc (09022015). Collection method: clinical testing. Allele origin: germline.

Breakthrough Genomics
Classification: Benign. Review status: criteria provided, single submitter. Criteria: ACMG Guidelines, 2015. Collection method: not provided. Allele origin: germline. Inheritance: Unknown mechanism. Affected: yes.

PreventionGenetics, part of Exact Sciences
Classification: Likely benign for ATP2A3-related condition. Last evaluated: 2019-07-17. Review status: no assertion criteria provided. Collection method: clinical testing. Allele origin: germline. Not counted in ClinVar's aggregate classification.
Comment: This variant is classified as likely benign based on ACMG/AMP sequence variant interpretation guidelines (Richards et al. 2015 PMID: 25741868, with internal and published modifications).

NM_005173.4(ATP2A3):c.1680C>T (p.Arg560=)

Gene: ATP2A3 (ATPase sarcoplasmic/endoplasmic reticulum Ca2+ transporting 3; minus strand). Cytogenetic location: 17p13.2.
Variant type: single nucleotide variant.
Coding change: c.1680C>T on transcript NM_005173.4 (MANE Select); coding-DNA position 1680, C replaced by T.
Protein change: p.Arg560=; no amino-acid change (arginine 560 retained).
Molecular consequence: synonymous variant.
Genome position (GRCh38, 1-based): chr17:3,941,520, G>A on the plus strand (C>T on the coding strand, the complement: ATP2A3 is on the minus strand). VCF-style: chr17-3941520-G-A. GRCh37 (hg19) VCF-style: chr17-3844814-G-A.
Other names: c.1680C>T, p.Arg560= (NM_174953.3, NM_174954.3, NM_174955.3 and 3 more transcripts).
Identifiers: ClinVar variation 768822 (VCV000768822.29), dbSNP rs150386916, ClinGen allele CA8297104.